The following is an entry in ClinVar:

ClinVar aggregate classification (germline): Uncertain significance (1 of 4 stars; one submission).

Conditions:
Bethlem myopathy 1A. Also called: MYOPATHY, BENIGN CONGENITAL, WITH CONTRACTURES; Bethlem myopathy 1; Bethlem Muscular Dystrophy. Identifiers: Orphanet 610, MedGen CN029274, MONDO:0024530, OMIM 158810.

gnomAD v4.1: 1 of 1,614,184 alleles (0.000062%); highest among the groups gnomAD compares: Admixed American, 0.0017%; no homozygotes.

Submission:

Labcorp Genetics (formerly Invitae), Labcorp
Classification: Uncertain significance for Bethlem myopathy 1A. Last evaluated: 2025-06-24. Review status: criteria provided, single submitter. Criteria: Invitae Variant Classification Sherloc (09022015). Collection method: clinical testing. Allele origin: germline.
Comment: This sequence change replaces phenylalanine, which is neutral and non-polar, with serine, which is neutral and polar, at codon 1488 of the COL6A3 protein (p.Phe1488Ser). This variant is present in population databases (rs765207404, gnomAD 0.003%). This variant has not been reported in the literature in individuals affected with COL6A3-related conditions. Invitae Evidence Modeling of protein sequence and biophysical properties (such as structural, functional, and spatial information, amino acid conservation, physicochemical variation, residue mobility, and thermodynamic stability) indicates that this missense variant is expected to disrupt COL6A3 protein function with a positive predictive value of 80%. In summary, the available evidence is currently insufficient to determine the role of this variant in disease. Therefore, it has been classified as a Variant of Uncertain Significance.

NM_004369.4(COL6A3):c.4463T>C (p.Phe1488Ser)

Gene: COL6A3 (collagen type VI alpha 3 chain; minus strand). Cytogenetic location: 2q37.3.
Variant type: single nucleotide variant.
Coding change: c.4463T>C on transcript NM_004369.4 (MANE Select); coding-DNA position 4463, T replaced by C.
Protein change: p.Phe1488Ser; replaces phenylalanine 1488 with serine.
Molecular consequence: missense variant.
Genome position (GRCh38, 1-based): chr2:237,369,000, A>G on the plus strand (T>C on the coding strand, the complement: COL6A3 is on the minus strand). VCF-style: chr2-237369000-A-G. GRCh37 (hg19) VCF-style: chr2-238277643-A-G.
Other names: c.2642T>C, p.Phe881Ser (NM_057166.5); c.3845T>C, p.Phe1282Ser (NM_057167.4); short protein forms F1488S, F881S, F1282S.
Identifiers: ClinVar variation 4723365 (VCV004723365.1).